The following is an entry in ClinVar:

NM_000169.3(GLA):c.717A>G (p.Ile239Met)

Genes: GLA (galactosidase alpha; minus strand), RPL36A-HNRNPH2 (RPL36A-HNRNPH2 readthrough; plus strand). Cytogenetic location: Xq22.1.
Variant type: single nucleotide variant.
Coding change: c.717A>G on transcript NM_000169.3 (MANE Select); coding-DNA position 717, A replaced by G.
Protein change: p.Ile239Met; replaces isoleucine 239 with methionine.
Molecular consequence: missense variant. On other transcripts: non-coding transcript variant (3), intron variant (2).
Genome position (GRCh38, 1-based): chrX:101,398,869, T>C on the plus strand (A>G on the coding strand, the complement: GLA is on the minus strand). VCF-style: chrX-101398869-T-C. GRCh37 (hg19) VCF-style: chrX-100653857-T-C.
Other names: c.840A>G, p.Ile280Met (NM_001406747.1); c.717A>G, p.Ile239Met (NM_001406748.1); c.300+3412T>C (NM_001199973.2); c.177+7047T>C (NM_001199974.2); short protein forms I239M, I280M.
Identifiers: ClinVar variation 925251 (VCV000925251.11), dbSNP rs1928192530, ClinGen allele CA413924561.

ClinVar aggregate classification (germline): Conflicting classifications of pathogenicity. Review status: criteria provided, conflicting classifications (1 of 4 stars). 6 submissions from 6 submitters: Pathogenic (1); Likely pathogenic (4); Uncertain significance (1). Last evaluated 2026-09-08.

Conditions:
Fabry disease. Also called: Fabry's disease; Angiokeratoma corporis diffusum; CERAMIDE TRIHEXOSIDASE DEFICIENCY; GLA DEFICIENCY; HEREDITARY DYSTOPIC LIPIDOSIS; ALPHA-GALACTOSIDASE A DEFICIENCY. Identifiers: Orphanet 324, MedGen C0002986, MONDO:0010526, OMIM 301500, HP:0001071. Disease mechanism: loss of function, Fabry disease is due to inactivating mutations in the X-linked GLA gene resulting in deficiency of the enzyme Alpha Galactosidase-A..

Submissions (6):

Genomenon, Inc
Classification: Likely pathogenic for Fabry disease. Last evaluated: 2026-09-08. Review status: criteria provided, single submitter. Criteria: Genomenon Sequence Variant Interpretation Standards - Updated. Collection method: curation. Allele origin: germline. Affected: yes.
Comment: GLA p.Ile239Met (c.717A>G) is a missense variant that changes the amino acid at codon 239 from Isoleucine to Methionine. This variant has been observed in at least one proband with clinical features consistent with Fabry disease (PMID:38002959;39330351;28496025;37807078). The variant was found to segregate with disease in at least one affected family (PMID:36140787;28496025). Functional or patient cell studies have been reported (PMID:36140787;28496025;31770509). It is absent or not present at a significant frequency in gnomAD. In conclusion, we classify GLA p.Ile239Met (c.717A>G) as a likely pathogenic variant.

Genetics Laboratory, Great Ormond Street Hospital NHS Foundation Trust, North Thames Genomic Laboratory Hub
Classification: Pathogenic for Fabry disease. Last evaluated: 2026-06-23. Review status: criteria provided, single submitter. Criteria: ACGS Best Practice Guidelines for Variant Classification in Rare Disease 2024 v1.2. Collection method: clinical testing. Allele origin: germline. Affected: yes.
Comment: PS4_moderate, PM2_moderate, PM5_supporting, PP1_strong, PP4_strong

Labcorp Genetics (formerly Invitae), Labcorp
Classification: Uncertain significance for Fabry disease. Last evaluated: 2023-02-16. Review status: criteria provided, single submitter. Criteria: Invitae Variant Classification Sherloc (09022015). Collection method: clinical testing. Allele origin: germline.
Comment: ClinVar contains an entry for this variant (Variation ID: 925251). This sequence change replaces isoleucine, which is neutral and non-polar, with methionine, which is neutral and non-polar, at codon 239 of the GLA protein (p.Ile239Met). This variant is not present in population databases (gnomAD no frequency). This missense change has been observed in individual(s) with Fabry disease (PMID: 28496025). Advanced modeling of protein sequence and biophysical properties (such as structural, functional, and spatial information, amino acid conservation, physicochemical variation, residue mobility, and thermodynamic stability) performed at Invitae indicates that this missense variant is not expected to disrupt GLA protein function. This variant disrupts the p.I239 amino acid residue in GLA. Other variant(s) that disrupt this residue have been observed in individuals with GLA-related conditions (PMID: 15100373, 28496025), which suggests that this may be a clinically significant amino acid residue. In summary, the available evidence is currently insufficient to determine the role of this variant in disease. Therefore, it has been classified as a Variant of Uncertain Significance.

3billion
Classification: Likely pathogenic for Fabry disease. Last evaluated: 2022-09-01. Review status: criteria provided, single submitter. Criteria: ACMG Guidelines, 2015. Collection method: clinical testing. Allele origin: germline. Affected: yes. Observed: 1 hemizygote.
Comment: The variant is not observed in the gnomAD v2.1.1 dataset. Missense changes are a common disease-causing mechanism. In silico tool predictions suggest damaging effect of the variant on gene or gene product (REVEL: 0.45; 3Cnet: 0.89). Same nucleotide change resulting in same amino acid change has been previously reported to be associated with GLA-related disorder, and reported to segregate in more than 5 affected family members (ClinVar ID: VCV000925251/ PMID: 28496025). A different missense change at the same codon (p.Ile239Thr) has been reported to be associated with GLA-related disorder (PMID: 15100373). Therefore, this variant is classified as Likely pathogenic according to the recommendation of ACMG/AMP guideline.

Laboratory for Molecular Medicine, Mass General Brigham Personalized Medicine
Classification: Likely pathogenic for Fabry disease. Last evaluated: 2019-12-10. Review status: criteria provided, single submitter. Criteria: ACMG Guidelines, 2015. Collection method: clinical testing. Allele origin: germline.
Comment: proposed classification - variant undergoing re-assessment, contact laboratory

Color Diagnostics, LLC DBA Color Health
Classification: Likely pathogenic for Fabry disease. Last evaluated: 2019-12-04. Review status: criteria provided, single submitter. Criteria: ACMG Guidelines, 2015. Collection method: clinical testing. Allele origin: germline.
Comment: This missense variant replaces isoleucine with methionine at codon 239 of the GLA protein. Computational prediction suggests that this variant may not impact protein structure and function (internally defined REVEL score threshold <= 0.5, PMID: 27666373). Splice site prediction tools suggest that this variant may not impact RNA splicing. In this proband's 3-generation family, this variant was observed in 2 females and 1 male affected with hypertrophic cardiomyopathy and in 2 females affected with left ventricular hypertrophy. Six unaffected individuals from this family did not carry this variant. This variant has not been identified in the general population by the Genome Aggregation Database (gnomAD). Based on the available evidence, this variant is classified as Likely Pathogenic.

Literature cited by the submitters: PubMed 38002959 (cited by Genomenon, Inc); PubMed 39330351 (cited by Genomenon, Inc); PubMed 28496025 (cited by 4 submitters); PubMed 37807078 (cited by Genomenon, Inc); PubMed 36140787 (cited by Genomenon, Inc); PubMed 31770509 (cited by Genomenon, Inc); PubMed 15100373 (cited by Labcorp Genetics (formerly Invitae), Labcorp and 3billion).